The following is an entry in ClinVar:

ClinVar aggregate classification (germline): Likely benign. Review status: criteria provided, multiple submitters, no conflicts (2 of 4 stars). 5 submissions from 5 submitters: Likely benign (5). Last evaluated 2026-01-26.

Conditions:
TTN-related disorder. Also called: TTN-related condition; TTN-related disease; TTN-related disorders.
Autosomal recessive limb-girdle muscular dystrophy type 2J (LGMDR10). Also called: Limb-girdle muscular dystrophy, type 2J; MUSCULAR DYSTROPHY, LIMB-GIRDLE, AUTOSOMAL RECESSIVE 10. Identifiers: Orphanet 140922, MedGen C1837342, MONDO:0012127, OMIM 608807.
Dilated cardiomyopathy 1G (CMD1G). Identifiers: Orphanet 154, MedGen C1858763, MONDO:0011400, OMIM 604145.
Hypertrophic cardiomyopathy 9. Also called: Familial hypertrophic cardiomyopathy 9. Identifiers: MedGen C1861065, MONDO:0013412, OMIM 613765.
Myopathy, myofibrillar, 9, with early respiratory failure (MFM9). Also called: Hereditary myopathy with early respiratory failure; MYOPATHY, PROXIMAL, WITH EARLY RESPIRATORY MUSCLE INVOLVEMENT; EDSTROM MYOPATHY; Myopathy, distal, with early respiratory failure, autosomal dominant. Identifiers: Orphanet 178464, Orphanet 34521, MedGen C1863599, MONDO:0011362, OMIM 603689.
Tibial muscular dystrophy (TMD). Also called: Udd Distal Myopathy – Tibial Muscular Dystrophy; UDD MYOPATHY; Tibial muscular dystrophy, tardive. Identifiers: Orphanet 609, MedGen C1838244, MONDO:0010870, OMIM 600334.
Early-onset myopathy with fatal cardiomyopathy (CMYO5). Also called: Salih Myopathy; CONGENITAL MYOPATHY 5 WITH CARDIOMYOPATHY. Identifiers: Orphanet 289377, MedGen C2673677, MONDO:0012714, OMIM 611705. Disease mechanism: loss of function.

Allele frequency attached by ClinVar (database versions not stated): gnomAD 0.00019 and 0.00021; 1000 Genomes Project 0.00020; TOPMed 0.00031; ESP Exome Variant Server 0.00034.
gnomAD v4.1: 60 of 1,561,488 alleles (0.0038%); highest among the groups gnomAD compares: African/African-American, 0.071%; no homozygotes.

Submissions (5):

Labcorp Genetics (formerly Invitae), Labcorp
Classification: Likely benign for Dilated cardiomyopathy 1G; Autosomal recessive limb-girdle muscular dystrophy type 2J. Last evaluated: 2026-01-26. Review status: criteria provided, single submitter. Criteria: Invitae Variant Classification Sherloc (09022015). Collection method: clinical testing. Allele origin: germline.

PreventionGenetics, part of Exact Sciences
Classification: Likely benign for TTN-related condition. Last evaluated: 2025-04-22. Review status: criteria provided, single submitter. Criteria: ACMG Guidelines, 2015. Collection method: clinical testing. Allele origin: germline.
Comment: This variant is classified as likely benign based on ACMG/AMP sequence variant interpretation guidelines (Richards et al. 2015 PMID: 25741868, with internal and published modifications).

Molecular Diagnostic Laboratory for Inherited Cardiovascular Disease, Montreal Heart Institute
Classification: Likely benign. Last evaluated: 2025-04-09. Review status: criteria provided, single submitter. Criteria: ACMG Guidelines, 2015. Collection method: clinical testing. Allele origin: germline. Affected: no.

Fulgent Genetics
Classification: Likely benign for Tibial muscular dystrophy; Myopathy, myofibrillar, 9, with early respiratory failure; Dilated cardiomyopathy 1G; Autosomal recessive limb-girdle muscular dystrophy type 2J; Early-onset myopathy with fatal cardiomyopathy; Hypertrophic cardiomyopathy 9. Last evaluated: 2021-10-20. Review status: criteria provided, single submitter. Criteria: ACMG Guidelines, 2015. Collection method: clinical testing. Allele origin: unknown.

GeneDx
Classification: Likely benign. Last evaluated: 2019-02-12. Review status: criteria provided, single submitter. Criteria: GeneDx Variant Classification Process June 2021. Collection method: clinical testing. Allele origin: germline. Affected: yes.

NM_001267550.2(TTN):c.40634-10T>A

Gene: TTN (titin; minus strand). Cytogenetic location: 2q31.2.
Variant type: single nucleotide variant.
Coding change: c.40634-10T>A on transcript NM_001267550.2 (MANE Select); 10 bases into the intron before coding-DNA position 40634, T replaced by A.
Molecular consequence: intron variant.
Genome position (GRCh38, 1-based): chr2:178,640,640, A>T on the plus strand (T>A on the coding strand, the complement: TTN is on the minus strand). VCF-style: chr2-178640640-A-T. GRCh37 (hg19) VCF-style: chr2-179505367-A-T.
Other names: c.35711-10T>A (NM_001256850.1); c.13439-10T>A (NM_003319.4); c.14015-10T>A (NM_133437.4); c.13814-10T>A (NM_133432.3); c.32930-10T>A (NM_133378.4).
Identifiers: ClinVar variation 467125 (VCV000467125.18), dbSNP rs375097334, ClinGen allele CA1996424.
Genomic context (GRCh38, chr2:178,640,640, plus strand): 5'-CAGTAGGTACTTCAACCTCTTCAACAGGTTTTGGAGGTGGTGGTTCTGGTACTTTAAGAT[A>T]AGATTATTTTTTCAGTGTTAATATTTGAATATTTAGGAAGCACCTCATCTGAAATATCAA-3'